The following is an entry in ClinVar:

NM_001035.3(RYR2):c.5917-12T>G

Gene: RYR2 (ryanodine receptor 2; plus strand). Cytogenetic location: 1q43.
Variant type: single nucleotide variant.
Coding change: c.5917-12T>G on transcript NM_001035.3 (MANE Select); 12 bases into the intron before coding-DNA position 5917, T replaced by G.
Molecular consequence: intron variant.
Genome position (GRCh38, 1-based): chr1:237,623,753, T>G. VCF-style: chr1-237623753-T-G. GRCh37 (hg19) VCF-style: chr1-237787053-T-G.
Identifiers: ClinVar variation 923478 (VCV000923478.13), dbSNP rs746414195, ClinGen allele CA086996.

ClinVar aggregate classification (germline): Benign/Likely benign. Review status: criteria provided, multiple submitters, no conflicts (2 of 4 stars). 3 submissions from 3 submitters: Benign (1); Likely benign (2). Last evaluated 2026-01-16.

Conditions:
Catecholaminergic polymorphic ventricular tachycardia 1. Also called: VENTRICULAR TACHYCARDIA, CATECHOLAMINERGIC POLYMORPHIC, 1, WITH OR WITHOUT ATRIAL DYSFUNCTION AND/OR DILATED CARDIOMYOPATHY; RYR2-Related Catecholaminergic Polymorphic Ventricular Tachycardia; VENTRICULAR TACHYCARDIA, STRESS-INDUCED POLYMORPHIC 1. Identifiers: Orphanet 3286, MedGen C1631597, MONDO:0011484, OMIM 604772.
Catecholaminergic polymorphic ventricular tachycardia (CVPT). Also called: Catecholamine-induced polymorphic ventricular tachycardia. Identifiers: Orphanet 3286, MedGen C5574922, MONDO:0017990.
Cardiomyopathy (CMYO). Also called: Cardiomyopathies. Identifiers: Orphanet 167848, MedGen C0878544, MONDO:0004994, HP:0001638. Inheritance: Various modes of inheritance.

Allele frequency attached by ClinVar (database versions not stated): TOPMed 0.00004; gnomAD exomes 0.00006; ExAC 0.00008.
gnomAD v4.1: 27 of 1,559,226 alleles (0.0017%); highest among the groups gnomAD compares: East Asian, 0.061%; no homozygotes.

Submissions (3):

Labcorp Genetics (formerly Invitae), Labcorp
Classification: Benign for Catecholaminergic polymorphic ventricular tachycardia 1. Last evaluated: 2026-01-16. Review status: criteria provided, single submitter. Criteria: Invitae Variant Classification Sherloc (09022015). Collection method: clinical testing. Allele origin: germline.

All of Us Research Program, National Institutes of Health
Classification: Likely benign for Catecholaminergic polymorphic ventricular tachycardia. Last evaluated: 2024-01-11. Review status: criteria provided, single submitter. Criteria: ACMG Guidelines, 2015. Collection method: clinical testing. Allele origin: germline. Inheritance: Autosomal dominant inheritance. Observed: 4 variant alleles, 4 heterozygotes.
Comment: This study involves interpretation of variants in research participants for the purpose of population health screening. Participant phenotype was not available at the time of variant classification. Additional details can be found in publication PMID: 35346344, PMCID: PMC8962531

Color Diagnostics, LLC DBA Color Health
Classification: Likely benign for Cardiomyopathy. Last evaluated: 2021-03-18. Review status: criteria provided, single submitter. Criteria: ACMG Guidelines, 2015. Collection method: clinical testing. Allele origin: germline.